The following is an entry in ClinVar:

NM_004393.6(DAG1):c.402C>T (p.Ser134=)

Gene: DAG1 (dystroglycan 1; plus strand). Cytogenetic location: 3p21.31.
Variant type: single nucleotide variant.
Coding change: c.402C>T on transcript NM_004393.6 (MANE Select); coding-DNA position 402, C replaced by T.
Protein change: p.Ser134=; no amino-acid change (serine 134 retained).
Molecular consequence: synonymous variant.
Genome position (GRCh38, 1-based): chr3:49,530,913, C>T. VCF-style: chr3-49530913-C-T. GRCh37 (hg19) VCF-style: chr3-49568346-C-T.
Other names: p.Ser134=; c.402C>T, p.Ser134= (NM_001165928.4, NM_001177634.3, NM_001177635.3 and 9 more transcripts).
Identifiers: ClinVar variation 471775 (VCV000471775.9), dbSNP rs367603470, ClinGen allele CA2398895.

ClinVar aggregate classification (germline): Likely benign. Review status: criteria provided, multiple submitters, no conflicts (2 of 4 stars). 2 submissions from 2 submitters: Likely benign (2). Last evaluated 2025-04-30.

Conditions:
Autosomal recessive limb-girdle muscular dystrophy type 2P. Also called: MUSCULAR DYSTROPHY-DYSTROGLYCANOPATHY, LIMB-GIRDLE, DAG1-RELATED; MUSCULAR DYSTROPHY, LIMB-GIRDLE, TYPE 2P; Limb-Girdle Muscular Dystrophy Type 9C. Identifiers: Orphanet 280333, MedGen C4511963, MONDO:0013440, OMIM 613818.
Muscular dystrophy-dystroglycanopathy (congenital with brain and eye anomalies), type A9. Also called: Muscular dystrophy-dystroglycanopathy (congenital with brain and eye anomalies), type a, 9; WALKER-WARBURG SYNDROME OR MUSCLE-EYE BRAIN DISEASE, DAG1-RELATED. Identifiers: Orphanet 370997, Orphanet 899, MedGen C4225291, MONDO:0014683, OMIM 616538.

Allele frequency attached by ClinVar (database versions not stated): gnomAD exomes 0.00002 and 0.00004; ExAC 0.00005; gnomAD 0.00013 and 0.00015; ESP Exome Variant Server 0.00015; TOPMed 0.00020.
gnomAD v4.1: 46 of 1,613,968 alleles (0.0029%); highest among the groups gnomAD compares: African/African-American, 0.041%; no homozygotes.

Submissions (2):

Mayo Clinic Laboratories, Mayo Clinic
Classification: Likely benign. Last evaluated: 2025-04-30. Review status: criteria provided, single submitter. Criteria: ACMG Guidelines, 2015. Collection method: clinical testing. Allele origin: germline. Observed: 1 variant allele.
Comment: BP4, BP7

Labcorp Genetics (formerly Invitae), Labcorp
Classification: Likely benign for Autosomal recessive limb-girdle muscular dystrophy type 2P; Muscular dystrophy-dystroglycanopathy (congenital with brain and eye anomalies), type A9. Last evaluated: 2023-04-06. Review status: criteria provided, single submitter. Criteria: Invitae Variant Classification Sherloc (09022015). Collection method: clinical testing. Allele origin: germline.